The following is an entry in ClinVar:

NM_001190274.2(FBXO11):c.875C>T (p.Ser292Phe)

Gene: FBXO11 (F-box protein 11; minus strand). Cytogenetic location: 2p16.3.
Variant type: single nucleotide variant.
Coding change: c.875C>T on transcript NM_001190274.2 (MANE Select); coding-DNA position 875, C replaced by T.
Protein change: p.Ser292Phe; replaces serine 292 with phenylalanine.
Molecular consequence: missense variant.
Genome position (GRCh38, 1-based): chr2:47,834,638, G>A on the plus strand (C>T on the coding strand, the complement: FBXO11 is on the minus strand). VCF-style: chr2-47834638-G-A. GRCh37 (hg19) VCF-style: chr2-48061777-G-A.
Other names: c.623C>T, p.Ser208Phe (NM_001374325.1, NM_025133.4); short protein forms S292F, S208F.
Identifiers: ClinVar variation 2757468 (VCV002757468.3), dbSNP rs779725916, ClinGen allele CA1650003.

ClinVar aggregate classification (germline): Uncertain significance (1 of 4 stars; one submission).

gnomAD v4.1: 2 of 1,608,678 alleles (0.00012%); highest among the groups gnomAD compares: Non-Finnish European, 0.00017%; no homozygotes.

Submission:

Labcorp Genetics (formerly Invitae), Labcorp
Classification: Uncertain significance. Last evaluated: 2025-07-21. Review status: criteria provided, single submitter. Criteria: Invitae Variant Classification Sherloc (09022015). Collection method: clinical testing. Allele origin: germline.
Comment: This sequence change replaces serine, which is neutral and polar, with phenylalanine, which is neutral and non-polar, at codon 292 of the FBXO11 protein (p.Ser292Phe). This variant is present in population databases (rs779725916, gnomAD 0.0009%). This variant has not been reported in the literature in individuals affected with FBXO11-related conditions. ClinVar contains an entry for this variant (Variation ID: 2757468). An algorithm developed to predict the effect of missense changes on protein structure and function (PolyPhen-2) suggests that this variant is likely to be tolerated. In summary, the available evidence is currently insufficient to determine the role of this variant in disease. Therefore, it has been classified as a Variant of Uncertain Significance.